The following is an entry in ClinVar:

ClinVar aggregate classification (germline): Conflicting classifications of pathogenicity. Review status: criteria provided, conflicting classifications (1 of 4 stars). 7 submissions from 7 submitters: Uncertain significance (4); Likely benign (3). Last evaluated 2025-12-15.

Conditions:
Ehlers-Danlos syndrome, classic type, 1 (EDSCL1). Also called: EHLERS-DANLOS SYNDROME, GRAVIS TYPE; EHLERS-DANLOS SYNDROME, SEVERE CLASSIC TYPE; Ehlers-Danlos syndrome, type 1; Ehlers-Danlos Syndrome, Classic Type, COL5A1-Related; EDS I. Identifiers: MedGen C0268335, MONDO:0019567, OMIM 130000.
Ehlers-Danlos syndrome (EDS). Identifiers: Orphanet 98249, MedGen C0013720, MONDO:0020066.
Ehlers-Danlos syndrome, classic type (cEDS). Identifiers: Orphanet 287, MedGen C4225429, MONDO:0007522.
Familial thoracic aortic aneurysm and aortic dissection (TAAD). Also called: Thoracic aortic aneurysms and dissections. Identifiers: Orphanet 91387, MedGen C4707243, MONDO:0019625.

Allele frequency attached by ClinVar (database versions not stated): ExAC 0.00007; gnomAD exomes 0.00008 and 0.00018; gnomAD 0.00011 and 0.00012; TOPMed 0.00019; ESP Exome Variant Server 0.00031.
gnomAD v4.1: 283 of 1,613,972 alleles (0.018%); highest among the groups gnomAD compares: Non-Finnish European, 0.021%; no homozygotes.

Submissions (7):

Labcorp Genetics (formerly Invitae), Labcorp
Classification: Likely benign for Ehlers-Danlos syndrome, classic type, 1. Last evaluated: 2025-12-15. Review status: criteria provided, single submitter. Criteria: Invitae Variant Classification Sherloc (09022015). Collection method: clinical testing. Allele origin: germline.

GeneDx
Classification: Uncertain significance. Last evaluated: 2025-01-23. Review status: criteria provided, single submitter. Criteria: GeneDx Variant Classification Process June 2021. Collection method: clinical testing. Allele origin: germline. Affected: yes.
Comment: Previously reported in one individual in control cohort in study of candidate genes for keratoconus (PMID: 29924831); In silico analysis supports that this missense variant has a deleterious effect on protein structure/function; Occurs in the triple helical domain at the Y position in the canonical Gly-X-Y repeat; although this variant may have an effect on normal protein folding and function, missense substitution at the Y position is not a common mechanism of disease (PMID: 22696272; HGMD); This variant is associated with the following publications: (PMID: 29924831, 22696272)

Ambry Genetics
Classification: Uncertain significance for Familial thoracic aortic aneurysm and aortic dissection. Last evaluated: 2024-12-06. Review status: criteria provided, single submitter. Criteria: Ambry Variant Classification Scheme 2023. Collection method: clinical testing. Allele origin: germline.
Comment: The p.S1548L variant (also known as c.4643C>T), located in coding exon 60 of the COL5A1 gene, results from a C to T substitution at nucleotide position 4643. The serine at codon 1548 is replaced by leucine, an amino acid with dissimilar properties. In one study, this variant was reported in one control subject and not detected in any of the affected keratoconus cases; however, clinical details were limited (Lucas SEM et al. PLoS ONE, 2018 Jun;13:e0199178). This amino acid position is well conserved in available vertebrate species. In addition, the in silico prediction for this alteration is inconclusive. Since supporting evidence is limited at this time, the clinical significance of this alteration remains unclear.

Women's Health and Genetics/Laboratory Corporation of America, LabCorp
Classification: Likely benign. Last evaluated: 2024-08-28. Review status: criteria provided, single submitter. Criteria: LabCorp Variant Classification Summary - May 2015. Collection method: clinical testing. Allele origin: germline.
Comment: Variant summary: COL5A1 c.4643C>T (p.Ser1548Leu) results in a non-conservative amino acid change in the encoded protein sequence. Four of five in-silico tools predict a damaging effect of the variant on protein function. Consensus agreement among computation tools predict no significant impact on normal splicing. However, these predictions have yet to be confirmed by functional studies. The variant allele was found at a frequency of 7.6e-05 in 251216 control chromosomes. The observed variant frequency is approximately 2-fold of the estimated maximal expected allele frequency for a pathogenic variant in COL5A1 causing Ehlers-Danlos Syndrome phenotype (3.1e-05). To our knowledge, no occurrence of c.4643C>T in individuals affected with Ehlers-Danlos Syndrome and no experimental evidence demonstrating its impact on protein function have been reported. ClinVar contains an entry for this variant (Variation ID: 212984). Based on the evidence outlined above, the variant was classified as likely benign.

CeGaT Center for Human Genetics Tuebingen
Classification: Uncertain significance. Last evaluated: 2020-10-01. Review status: criteria provided, single submitter. Criteria: CeGaT Center For Human Genetics Tuebingen Variant Classification Criteria Version 2. Collection method: clinical testing. Allele origin: germline. Affected: yes. Observed: 1 variant allele.

Genome Diagnostics Laboratory, The Hospital for Sick Children
Classification: Uncertain significance for Ehlers-Danlos syndrome. Last evaluated: 2020-06-01. Review status: criteria provided, single submitter. Criteria: ACMG Guidelines, 2015. Collection method: clinical testing. Allele origin: germline.

Illumina Laboratory Services, Illumina
Classification: Likely benign for Ehlers-Danlos syndrome, classic type, 1. Last evaluated: 2018-01-12. Review status: criteria provided, single submitter. Criteria: ICSL Variant Classification Criteria 13 December 2019. Collection method: clinical testing. Allele origin: germline.
Comment: This variant was observed in the ICSL laboratory as part of a predisposition screen in an ostensibly healthy population. It had not been previously curated by ICSL or reported in the Human Gene Mutation Database (HGMD: prior to June 1st, 2018), and was therefore a candidate for classification through an automated scoring system. Utilizing variant allele frequency, disease prevalence and penetrance estimates, and inheritance mode, an automated score was calculated to assess if this variant is too frequent to cause the disease. Based on the score and internal cut-off values, a variant classified as likely benign is not then subjected to further curation. The score for this variant resulted in a classification of likely benign for this disease.

Literature cited by the submitters: PubMed 29924831 (cited by Ambry Genetics).

NM_000093.5(COL5A1):c.4643C>T (p.Ser1548Leu)

Genes: COL5A1 (collagen type V alpha 1 chain; plus strand), LOC101448202 (uncharacterized LOC101448202; minus strand). Cytogenetic location: 9q34.3.
Variant type: single nucleotide variant.
Coding change: c.4643C>T on transcript NM_000093.5 (MANE Select); coding-DNA position 4643, C replaced by T.
Protein change: p.Ser1548Leu; replaces serine 1548 with leucine.
Molecular consequence: missense variant.
Genome position (GRCh38, 1-based): chr9:134,823,032, C>T. VCF-style: chr9-134823032-C-T. GRCh37 (hg19) VCF-style: chr9-137714878-C-T.
Other names: p.S1548L:TCG>TTG; c.4643C>T, p.Ser1548Leu (NM_001278074.1); short protein forms S1548L.
Identifiers: ClinVar variation 212984 (VCV000212984.65), dbSNP rs147398633, ClinGen allele CA324874.